The following is an entry in ClinVar:

ClinVar aggregate classification (germline): Conflicting classifications of pathogenicity. Review status: criteria provided, conflicting classifications (1 of 4 stars). 4 submissions from 4 submitters: Uncertain significance (3); Likely benign (1). Last evaluated 2025-12-22.

Conditions:
Tuberous sclerosis 1 (TSC1). Identifiers: Orphanet 805, MedGen C1854465, MONDO:0008612, OMIM 191100.
Hereditary cancer-predisposing syndrome. Also called: Hereditary neoplastic syndrome; Neoplastic Syndromes, Hereditary; Tumor predisposition; Hereditary Cancer Syndrome. Identifiers: Orphanet 140162, MedGen C0027672, MeSH D009386, MONDO:0015356.
Tuberous sclerosis syndrome (TSC). Also called: Tuberous Sclerosis Complex; Tuberous sclerosis. Identifiers: Orphanet 805, MedGen C0041341, MONDO:0001734.

Allele frequency attached by ClinVar (database versions not stated): gnomAD 0.00003.

Submissions (4):

Labcorp Genetics (formerly Invitae), Labcorp
Classification: Likely benign for Tuberous sclerosis 1. Last evaluated: 2025-12-22. Review status: criteria provided, single submitter. Criteria: Invitae Variant Classification Sherloc (09022015). Collection method: clinical testing. Allele origin: germline.

Ambry Genetics
Classification: Uncertain significance for Hereditary cancer-predisposing syndrome. Last evaluated: 2024-03-29. Review status: criteria provided, single submitter. Criteria: Ambry Variant Classification Scheme 2023. Collection method: clinical testing. Allele origin: germline.
Comment: The p.D650G variant (also known as c.1949A>G), located in coding exon 13 of the TSC1 gene, results from an A to G substitution at nucleotide position 1949. The aspartic acid at codon 650 is replaced by glycine, an amino acid with similar properties. This amino acid position is highly conserved in available vertebrate species. In addition, this alteration is predicted to be deleterious by in silico analysis. Since supporting evidence is limited at this time, the clinical significance of this alteration remains unclear.

All of Us Research Program, National Institutes of Health
Classification: Uncertain significance for Tuberous sclerosis syndrome. Last evaluated: 2023-08-28. Review status: criteria provided, single submitter. Criteria: ACMG Guidelines, 2015. Collection method: clinical testing. Allele origin: germline. Inheritance: Autosomal dominant inheritance. Observed: 1 variant allele, 1 heterozygote.
Comment: This missense variant replaces aspartic acid with glycine at codon 650 of the TSC1 protein. Computational prediction suggests that this variant may have deleterious impact on protein structure and function (internally defined REVEL score threshold >= 0.7, PMID: 27666373). To our knowledge, functional studies have not been reported for this variant. This variant has not been reported in individuals affected with TSC1-related disorders in the literature. This variant has been identified in 1/31412 chromosomes in the general population by the Genome Aggregation Database (gnomAD). The available evidence is insufficient to determine the role of this variant in disease conclusively. Therefore, this variant is classified as a Variant of Uncertain Significance.

This study involves interpretation of variants in research participants for the purpose of population health screening. Participant phenotype was not available at the time of variant classification. Additional details can be found in publication PMID: 35346344, PMCID: PMC8962531

GeneDx
Classification: Uncertain significance. Last evaluated: 2023-06-16. Review status: criteria provided, single submitter. Criteria: GeneDx Variant Classification Process June 2021. Collection method: clinical testing. Allele origin: germline. Affected: yes.
Comment: In silico analysis supports that this missense variant has a deleterious effect on protein structure/function; Has not been previously published as pathogenic or benign to our knowledge

NM_000368.5(TSC1):c.1949A>G (p.Asp650Gly)

Gene: TSC1 (TSC complex subunit 1; minus strand). Cytogenetic location: 9q34.13.
Variant type: single nucleotide variant.
Coding change: c.1949A>G on transcript NM_000368.5 (MANE Select); coding-DNA position 1949, A replaced by G.
Protein change: p.Asp650Gly; replaces aspartic acid 650 with glycine.
Molecular consequence: missense variant.
Genome position (GRCh38, 1-based): chr9:132,905,629, T>C on the plus strand (A>G on the coding strand, the complement: TSC1 is on the minus strand). VCF-style: chr9-132905629-T-C. GRCh37 (hg19) VCF-style: chr9-135781016-T-C.
Other names: c.1946A>G, p.Asp649Gly (NM_001162426.2); c.1796A>G, p.Asp599Gly (NM_001162427.2); c.1586A>G, p.Asp529Gly (NM_001362177.2); short protein forms D650G, D529G, D599G, D649G.
Identifiers: ClinVar variation 466052 (VCV000466052.15), dbSNP rs939275328, ClinGen allele CA200888178.